The following is an entry in ClinVar:

NM_130384.3(ATRIP):c.870A>G (p.Gln290=)

Genes: ATRIP (ATR interacting protein; plus strand), ATRIP-TREX1 (ATRIP-TREX1 readthrough; plus strand). Cytogenetic location: 3p21.31.
Variant type: single nucleotide variant.
Coding change: c.870A>G on transcript NM_130384.3 (MANE Select); coding-DNA position 870, A replaced by G.
Protein change: p.Gln290=; no amino-acid change (glutamine 290 retained).
Molecular consequence: synonymous variant. On other transcripts: non-coding transcript variant (1).
Genome position (GRCh38, 1-based): chr3:48,459,399, A>G. VCF-style: chr3-48459399-A-G. GRCh37 (hg19) VCF-style: chr3-48500798-A-G.
Other names: c.489A>G, p.Gln163= (NM_001271022.2); c.591A>G, p.Gln197= (NM_001271023.2); c.870A>G, p.Gln290= (NM_032166.4).
Identifiers: ClinVar variation 3809952 (VCV003809952.1).

ClinVar aggregate classification (germline): Uncertain significance (1 of 4 stars; one submission).

gnomAD v4.1: 63 of 1,614,162 alleles (0.0039%); highest among the groups gnomAD compares: Non-Finnish European, 0.0051%; no homozygotes.

Submission:

Ambry Genetics
Classification: Uncertain significance. Last evaluated: 2025-02-03. Review status: criteria provided, single submitter. Criteria: Ambry Variant Classification Scheme 2023. Collection method: clinical testing. Allele origin: germline.
Comment: The c.870A>G variant (also known as p.Q290Q), located in coding exon 6 of the ATRIP gene, results from an A to G substitution at nucleotide position 870. This nucleotide substitution does not change the glutamine at codon 290. This nucleotide position is well conserved in available vertebrate species. In silico splice site analysis for this alteration is inconclusive. The evidence for this gene-disease relationship is limited; therefore, the clinical significance of this alteration is unclear.